The following is an entry in ClinVar:

ClinVar aggregate classification (germline): Likely benign (0 of 4 stars; one submission).

Conditions:
FAM234B-related disorder. Also called: FAM234B-related condition.

Allele frequency attached by ClinVar (database versions not stated): ExAC 0.00008; 1000 Genomes Project 30x 0.00016; gnomAD 0.00018; 1000 Genomes Project 0.00020; TOPMed 0.00026; ESP Exome Variant Server 0.00062.

Submission:

PreventionGenetics, part of Exact Sciences
Classification: Likely benign for FAM234B-related condition. Last evaluated: 2019-08-13. Review status: no assertion criteria provided. Collection method: clinical testing. Allele origin: germline.
Comment: This variant is classified as likely benign based on ACMG/AMP sequence variant interpretation guidelines (Richards et al. 2015 PMID: 25741868, with internal and published modifications).

NM_020853.2(FAM234B):c.240G>A (p.Glu80=)

Gene: FAM234B (family with sequence similarity 234 member B; plus strand). Cytogenetic location: 12p13.1.
Variant type: single nucleotide variant.
Coding change: c.240G>A on transcript NM_020853.2 (MANE Select); coding-DNA position 240, G replaced by A.
Protein change: p.Glu80=; no amino-acid change (glutamic acid 80 retained).
Molecular consequence: synonymous variant.
Genome position (GRCh38, 1-based): chr12:13,055,753, G>A. VCF-style: chr12-13055753-G-A. GRCh37 (hg19) VCF-style: chr12-13208687-G-A.
Identifiers: ClinVar variation 3053558 (VCV003053558.2), dbSNP rs146580878, ClinGen allele CA6459447.